The following is an entry in ClinVar:

NM_000143.4(FH):c.299A>G (p.Lys100Arg)

Gene: FH (fumarate hydratase; minus strand). Cytogenetic location: 1q43.
Variant type: single nucleotide variant.
Coding change: c.299A>G on transcript NM_000143.4 (MANE Select); coding-DNA position 299, A replaced by G.
Protein change: p.Lys100Arg; replaces lysine 100 with arginine.
Molecular consequence: missense variant.
Genome position (GRCh38, 1-based): chr1:241,513,682, T>C on the plus strand (A>G on the coding strand, the complement: FH is on the minus strand). VCF-style: chr1-241513682-T-C. GRCh37 (hg19) VCF-style: chr1-241676982-T-C.
Other names: short protein forms K100R.
Identifiers: ClinVar variation 1798607 (VCV001798607.3), dbSNP rs2527335295, ClinGen allele CA345440903.
Genomic context (GRCh38, chr1:241,513,682, plus strand): 5'-ATTGCATTAGCAATCTTTGGATCAAGACCATAATCCTGGTTTACTTCAGCGGCCGCTCGC[T>C]TCAAGATGCCAAAAGCTTTAATAACTGGGGTCTAAAATTAATCAGAAAAATATTTCAAAT-3'
Protein context (NP_000134.2, residues 90-110): TPVIKAFGIL[Lys100Arg]RAAAEVNQDY

ClinVar aggregate classification (germline): Uncertain significance (1 of 4 stars; one submission).

Conditions:
Hereditary cancer-predisposing syndrome. Also called: Tumor predisposition; Hereditary Cancer Syndrome; Hereditary neoplastic syndrome; Neoplastic Syndromes, Hereditary. Identifiers: Orphanet 140162, MedGen C0027672, MeSH D009386, MONDO:0015356.

Submission:

Ambry Genetics
Classification: Uncertain significance for Hereditary cancer-predisposing syndrome. Last evaluated: 2026-03-04. Review status: criteria provided, single submitter. Criteria: Ambry Variant Classification Scheme 2023. Collection method: clinical testing. Allele origin: germline.
Comment: The p.K100R variant (also known as c.299A>G), located in coding exon 3 of the FH gene, results from an A to G substitution at nucleotide position 299. The lysine at codon 100 is replaced by arginine, an amino acid with highly similar properties. This amino acid position is highly conserved in available vertebrate species. In addition, this alteration is predicted to be deleterious by in silico analysis. Based on the available evidence, the clinical significance of this variant remains unclear.